The following is an entry in ClinVar:

ClinVar aggregate classification (germline): Uncertain significance. Review status: criteria provided, multiple submitters, no conflicts (2 of 4 stars). 2 submissions from 2 submitters: Uncertain significance (2). Last evaluated 2025-05-22.

Conditions:
Spongy degeneration of central nervous system. Also called: ACY2 DEFICIENCY; AMINOACYLASE 2 DEFICIENCY; ASP DEFICIENCY; ASPA DEFICIENCY; ASPARTOACYLASE DEFICIENCY; CANAVAN-VAN BOGAERT-BERTRAND DISEASE. Identifiers: Orphanet 141, MedGen C0206307, MONDO:0010079, OMIM 271900.
ASPA-related disorder. Also called: ASPA-related condition.

Allele frequency attached by ClinVar (database versions not stated): TOPMed below 0.00001; gnomAD 0.00001.
gnomAD v4.1: 3 of 1,614,040 alleles (0.00019%); highest among the groups gnomAD compares: African/African-American, 0.0013%; no homozygotes.

Submissions (2):

PreventionGenetics, part of Exact Sciences
Classification: Uncertain significance for ASPA-related condition. Last evaluated: 2025-05-22. Review status: criteria provided, single submitter. Criteria: ACMG Guidelines, 2015. Collection method: clinical testing. Allele origin: germline.
Comment: The ASPA c.113G>A variant is predicted to result in the amino acid substitution p.Gly38Asp. To our knowledge, this variant has not been reported in the literature. This variant is reported in 0.011% of alleles in individuals of African descent in gnomAD. At this time, the clinical significance of this variant is uncertain due to the absence of conclusive functional and genetic evidence.

Labcorp Genetics (formerly Invitae), Labcorp
Classification: Uncertain significance for Spongy degeneration of central nervous system. Last evaluated: 2021-12-03. Review status: criteria provided, single submitter. Criteria: Invitae Variant Classification Sherloc (09022015). Collection method: clinical testing. Allele origin: germline.
Comment: This sequence change replaces glycine, which is neutral and non-polar, with aspartic acid, which is acidic and polar, at codon 38 of the ASPA protein (p.Gly38Asp). This variant is present in population databases (no rsID available, gnomAD 0.01%). This variant has not been reported in the literature in individuals affected with ASPA-related conditions. Advanced modeling of protein sequence and biophysical properties (such as structural, functional, and spatial information, amino acid conservation, physicochemical variation, residue mobility, and thermodynamic stability) performed at Invitae indicates that this missense variant is not expected to disrupt ASPA protein function. In summary, the available evidence is currently insufficient to determine the role of this variant in disease. Therefore, it has been classified as a Variant of Uncertain Significance.

NM_000049.4(ASPA):c.113G>A (p.Gly38Asp)

Genes: ASPA (aspartoacylase; plus strand), SPATA22 (spermatogenesis associated 22; minus strand). Cytogenetic location: 17p13.2.
Variant type: single nucleotide variant.
Coding change: c.113G>A on transcript NM_000049.4 (MANE Select); coding-DNA position 113, G replaced by A.
Protein change: p.Gly38Asp; replaces glycine 38 with aspartic acid.
Molecular consequence: missense variant. On other transcripts: intron variant (2).
Genome position (GRCh38, 1-based): chr17:3,476,272, G>A. VCF-style: chr17-3476272-G-A. GRCh37 (hg19) VCF-style: chr17-3379566-G-A.
Other names: c.113G>A, p.Gly38Asp (NM_001128085.1); c.-73-6874C>T (NM_001321336.2, NM_001321337.2); short protein forms G38D.
Identifiers: ClinVar variation 1510418 (VCV001510418.7), dbSNP rs1456006856, ClinGen allele CA397681243.